The following is an entry in ClinVar:

ClinVar aggregate classification (germline): Benign (1 of 4 stars; one submission).

Allele frequency attached by ClinVar (database versions not stated): TOPMed 0.02251; 1000 Genomes Project 0.02576; 1000 Genomes Project 30x 0.02717.
gnomAD v4.1: 3,114 of 152,218 alleles (2%); highest among the groups gnomAD compares: African/African-American, 7.2%; 107 homozygotes.

Submission:

GeneDx
Classification: Benign. Last evaluated: 2018-06-14. Review status: criteria provided, single submitter. Criteria: GeneDx Variant Classification (06012015). Collection method: clinical testing. Allele origin: germline. Affected: yes.
Comment: This variant is considered likely benign or benign based on one or more of the following criteria: it is a conservative change, it occurs at a poorly conserved position in the protein, it is predicted to be benign by multiple in silico algorithms, and/or has population frequency not consistent with disease.

NM_006767.4(LZTR1):c.201-172C>A

Gene: LZTR1 (leucine zipper like post translational regulator 1; plus strand). Cytogenetic location: 22q11.21.
Variant type: single nucleotide variant.
Coding change: c.201-172C>A on transcript NM_006767.4 (MANE Select); 172 bases into the intron before coding-DNA position 201, C replaced by A.
Molecular consequence: intron variant.
Genome position (GRCh38, 1-based): chr22:20,982,855, C>A. VCF-style: chr22-20982855-C-A. GRCh37 (hg19) VCF-style: chr22-21337144-C-A.
Identifiers: ClinVar variation 561673 (VCV000561673.1), dbSNP rs8140168, ClinGen allele CA322316490.